The following is an entry in ClinVar:

ClinVar aggregate classification (germline): Uncertain significance (1 of 4 stars; one submission).

Allele frequency attached by ClinVar (database versions not stated): TOPMed 0.00001; gnomAD 0.00003; gnomAD exomes 0.00006; ExAC 0.00011; 1000 Genomes Project 30x 0.00016; 1000 Genomes Project 0.00020.
gnomAD v4.1: 83 of 1,614,162 alleles (0.0051%); highest among the groups gnomAD compares: South Asian, 0.065%; no homozygotes.

Submission:

Labcorp Genetics (formerly Invitae), Labcorp
Classification: Uncertain significance. Last evaluated: 2022-04-25. Review status: criteria provided, single submitter. Criteria: Invitae Variant Classification Sherloc (09022015). Collection method: clinical testing. Allele origin: germline.
Comment: This sequence change replaces methionine, which is neutral and non-polar, with valine, which is neutral and non-polar, at codon 297 of the ARHGEF10 protein (p.Met297Val). This variant is present in population databases (rs567577810, gnomAD 0.06%), and has an allele count higher than expected for a pathogenic variant. This variant has not been reported in the literature in individuals affected with ARHGEF10-related conditions. Algorithms developed to predict the effect of missense changes on protein structure and function output the following: SIFT: "Tolerated"; PolyPhen-2: "Benign"; Align-GVGD: "Class C0". The valine amino acid residue is found in multiple mammalian species, which suggests that this missense change does not adversely affect protein function. Algorithms developed to predict the effect of sequence changes on RNA splicing suggest that this variant may disrupt the consensus splice site. In summary, the available evidence is currently insufficient to determine the role of this variant in disease. Therefore, it has been classified as a Variant of Uncertain Significance.

NM_014629.4(ARHGEF10):c.889A>G (p.Met297Val)

Gene: ARHGEF10 (Rho guanine nucleotide exchange factor 10; plus strand). Cytogenetic location: 8p23.3.
Variant type: single nucleotide variant.
Coding change: c.889A>G on transcript NM_014629.4 (MANE Select); coding-DNA position 889, A replaced by G.
Protein change: p.Met297Val; replaces methionine 297 with valine.
Molecular consequence: missense variant. On other transcripts: intron variant (1).
Genome position (GRCh38, 1-based): chr8:1,880,093, A>G. VCF-style: chr8-1880093-A-G. GRCh37 (hg19) VCF-style: chr8-1828259-A-G.
Other names: c.892A>G, p.Met298Val (NM_001308153.3); c.847-2542A>G (NM_001308152.2); short protein forms M297V, M322V, M298V.
Identifiers: ClinVar variation 2068578 (VCV002068578.2), dbSNP rs567577810, ClinGen allele CA4600094.